The following is an entry in ClinVar:

NM_032898.5(CEP19):c.13G>T (p.Ala5Ser)

Gene: CEP19 (centrosomal protein 19; minus strand). Cytogenetic location: 3q29.
Variant type: single nucleotide variant.
Coding change: c.13G>T on transcript NM_032898.5 (MANE Select); coding-DNA position 13, G replaced by T.
Protein change: p.Ala5Ser; replaces alanine 5 with serine.
Molecular consequence: missense variant. On other transcripts: intron variant (1).
Genome position (GRCh38, 1-based): chr3:196,708,645, C>A on the plus strand (G>T on the coding strand, the complement: CEP19 is on the minus strand). VCF-style: chr3-196708645-C-A. GRCh37 (hg19) VCF-style: chr3-196435516-C-A.
Other names: c.13G>T, p.Ala5Ser (NM_001379469.1, NM_001379470.1); c.26-733G>T (NM_001379468.1); short protein forms A5S.
Identifiers: ClinVar variation 1446966 (VCV001446966.6), dbSNP rs751648666, ClinGen allele CA2782180.
Genomic context (GRCh38, chr3:196,708,645, plus strand): 5'-TTTCACTCTCATAGATTAAGATAATAGCTGGAGGCTGAAACCTAATCCCACATTTCTTGG[C>A]AGTGCACATCATTCCCATGTACATGTCCGGGTAAGTCAGAGGAAATCTGATGAATATGTG-3'
Protein context (NP_116287.3, residues 1-15): MMCT[Ala5Ser]KKCGIRFQPP

ClinVar aggregate classification (germline): Uncertain significance (1 of 4 stars; one submission).

Allele frequency attached by ClinVar (database versions not stated): gnomAD exomes below 0.00001 and 0.00001; ExAC 0.00001.

Submission:

Labcorp Genetics (formerly Invitae), Labcorp
Classification: Uncertain significance. Last evaluated: 2023-08-17. Review status: criteria provided, single submitter. Criteria: Invitae Variant Classification Sherloc (09022015). Collection method: clinical testing. Allele origin: germline.
Comment: An algorithm developed to predict the effect of missense changes on protein structure and function (PolyPhen-2) suggests that this variant is likely to be tolerated. This sequence change replaces alanine, which is neutral and non-polar, with serine, which is neutral and polar, at codon 9 of the CEP19 protein (p.Ala9Ser). This variant is present in population databases (rs751648666, gnomAD 0.0009%). This variant has not been reported in the literature in individuals affected with CEP19-related conditions. ClinVar contains an entry for this variant (Variation ID: 1446966). In summary, the available evidence is currently insufficient to determine the role of this variant in disease. Therefore, it has been classified as a Variant of Uncertain Significance.